The following is an entry in ClinVar:

ClinVar aggregate classification (germline): Uncertain significance (1 of 4 stars; one submission).

Submission:

GeneDx
Classification: Uncertain significance. Last evaluated: 2023-11-01. Review status: criteria provided, single submitter. Criteria: GeneDx Variant Classification Process June 2021. Collection method: clinical testing. Allele origin: germline. Affected: yes.
Comment: Not observed at significant frequency in large population cohorts (gnomAD); Missense variants in this gene are a common cause of disease and they are underrepresented in the general population; In silico analysis supports that this missense variant has a deleterious effect on protein structure/function; Has not been previously published as pathogenic or benign to our knowledge

NM_001040142.2(SCN2A):c.89C>G (p.Ala30Gly)

Gene: SCN2A (sodium voltage-gated channel alpha subunit 2; plus strand). Cytogenetic location: 2q24.3.
Variant type: single nucleotide variant.
Coding change: c.89C>G on transcript NM_001040142.2 (MANE Select); coding-DNA position 89, C replaced by G.
Protein change: p.Ala30Gly; replaces alanine 30 with glycine.
Molecular consequence: missense variant.
Genome position (GRCh38, 1-based): chr2:165,295,912, C>G. VCF-style: chr2-165295912-C-G. GRCh37 (hg19) VCF-style: chr2-166152422-C-G.
Other names: c.89C>G, p.Ala30Gly (NM_001040143.2, NM_001371246.1, NM_001371247.1 and 1 more transcripts); short protein forms A30G.
Identifiers: ClinVar variation 3366179 (VCV003366179.1).